The following is an entry in ClinVar:

ClinVar aggregate classification (germline): Uncertain significance (1 of 4 stars; one submission).

Conditions:
Intellectual developmental disorder, X-linked, syndromic, Hedera type. Also called: Syndromic X-linked intellectual disability Hedera type. Identifiers: Orphanet 93952, MedGen C1845543, MONDO:0010319, OMIM 300423.

gnomAD v4.1: 5 of 1,207,797 alleles (0.00041%); highest among the groups gnomAD compares: Non-Finnish European, 0.00045%; no homozygotes.

Submission:

Labcorp Genetics (formerly Invitae), Labcorp
Classification: Uncertain significance for Intellectual developmental disorder, X-linked, syndromic, Hedera type. Last evaluated: 2024-08-28. Review status: criteria provided, single submitter. Criteria: Invitae Variant Classification Sherloc (09022015). Collection method: clinical testing. Allele origin: germline.
Comment: This sequence change replaces valine, which is neutral and non-polar, with leucine, which is neutral and non-polar, at codon 109 of the ATP6AP2 protein (p.Val109Leu). This variant is present in population databases (no rsID available, gnomAD 0.001%). This variant has not been reported in the literature in individuals affected with ATP6AP2-related conditions. Invitae Evidence Modeling of protein sequence and biophysical properties (such as structural, functional, and spatial information, amino acid conservation, physicochemical variation, residue mobility, and thermodynamic stability) indicates that this missense variant is not expected to disrupt ATP6AP2 protein function with a negative predictive value of 80%. In summary, the available evidence is currently insufficient to determine the role of this variant in disease. Therefore, it has been classified as a Variant of Uncertain Significance.

NM_005765.3(ATP6AP2):c.325G>C (p.Val109Leu)

Gene: ATP6AP2 (ATPase H+ transporting accessory protein 2; plus strand). Cytogenetic location: Xp11.4.
Variant type: single nucleotide variant.
Coding change: c.325G>C on transcript NM_005765.3 (MANE Select); coding-DNA position 325, G replaced by C.
Protein change: p.Val109Leu; replaces valine 109 with leucine.
Molecular consequence: missense variant.
Genome position (GRCh38, 1-based): chrX:40,597,273, G>C. VCF-style: chrX-40597273-G-C. GRCh37 (hg19) VCF-style: chrX-40456525-G-C.
Other names: short protein forms V109L.
Identifiers: ClinVar variation 3671532 (VCV003671532.2).
Genomic context (GRCh38, chrX:40,597,273, plus strand): 5'-TCACATAATAATTGCGTTCTTACTCTTAAATTTCAGGCAGTTCCTTTTAGTCTTGACAGT[G>C]TTGCAAATTCCATTCACTCCTTATTTTCTGAGGAAACTCCTGTTGTTTTGCAGTTGGCTC-3'
Protein context (NP_005756.2, residues 99-119): ENAVPFSLDS[Val109Leu]ANSIHSLFSE